The following is an entry in ClinVar:

NM_000138.5(FBN1):c.110C>A (p.Thr37Asn)

Gene: FBN1 (fibrillin 1; minus strand). Cytogenetic location: 15q21.1.
Variant type: single nucleotide variant.
Coding change: c.110C>A on transcript NM_000138.5 (MANE Select); coding-DNA position 110, C replaced by A.
Protein change: p.Thr37Asn; replaces threonine 37 with asparagine.
Molecular consequence: missense variant.
Genome position (GRCh38, 1-based): chr15:48,644,660, G>T on the plus strand (C>A on the coding strand, the complement: FBN1 is on the minus strand). VCF-style: chr15-48644660-G-T. GRCh37 (hg19) VCF-style: chr15-48936857-G-T.
Other names: short protein forms T37N.
Identifiers: ClinVar variation 922370 (VCV000922370.5), dbSNP rs1890260193, ClinGen allele CA392453626.
Genomic context (GRCh38, chr15:48,644,660, plus strand): 5'-CTTTACCCTTTAAGCGCGTCGTGTCCTCCACCGCCTCTTCTCTTGGCCCGACTGGCTCTG[G>T]TTTCCTTCACGTTCCCAGCCTCCAAATTGGCGTCCGCCCCATGGCTCGTGTAGGACGCTA-3'
Protein context (NP_000129.3, residues 27-47): ANLEAGNVKE[Thr37Asn]RASRAKRRGG

ClinVar aggregate classification (germline): Uncertain significance (1 of 4 stars; one submission).

Conditions:
Familial thoracic aortic aneurysm and aortic dissection (TAAD). Also called: Thoracic aortic aneurysms and dissections. Identifiers: Orphanet 91387, MedGen C4707243, MONDO:0019625.

Submission:

Color Diagnostics, LLC DBA Color Health
Classification: Uncertain significance for Familial thoracic aortic aneurysm and aortic dissection. Last evaluated: 2023-12-05. Review status: criteria provided, single submitter. Criteria: ACMG Guidelines, 2015. Collection method: clinical testing. Allele origin: germline.
Comment: This missense variant replaces threonine with asparagine at codon 37 of the FBN1 protein. Computational prediction tools and conservation analyses are inconclusive regarding the impact of this variant on the protein function. Computational splicing tools suggest that this variant may not impact RNA splicing. To our knowledge, functional assays have not been performed for this variant nor has this variant been reported in individuals affected with cardiovascular disorders in the literature. This variant has not been identified in the general population by the Genome Aggregation Database (gnomAD). Available evidence is insufficient to determine the role of this variant in disease conclusively. Therefore, this variant is classified as a Variant of Uncertain Significance.